The following is an entry in ClinVar:

ClinVar aggregate classification (germline): Uncertain significance. Review status: criteria provided, multiple submitters, no conflicts (2 of 4 stars). 2 submissions from 2 submitters: Uncertain significance (2). Last evaluated 2025-08-02.

Conditions:
Familial thoracic aortic aneurysm and aortic dissection (TAAD). Also called: Thoracic aortic aneurysms and dissections. Identifiers: Orphanet 91387, MedGen C4707243, MONDO:0019625.

Allele frequency attached by ClinVar (database versions not stated): gnomAD exomes below 0.00001.
gnomAD v4.1: 1 of 1,613,900 alleles (0.000062%); highest among the groups gnomAD compares: African/African-American, 0.0013%; no homozygotes.

Submissions (2):

Labcorp Genetics (formerly Invitae), Labcorp
Classification: Uncertain significance for Familial thoracic aortic aneurysm and aortic dissection. Last evaluated: 2025-08-02. Review status: criteria provided, single submitter. Criteria: Invitae Variant Classification Sherloc (09022015). Collection method: clinical testing. Allele origin: germline.
Comment: This sequence change replaces valine, which is neutral and non-polar, with methionine, which is neutral and non-polar, at codon 389 of the SMAD3 protein (p.Val389Met). This variant is present in population databases (no rsID available, gnomAD 0.007%). This variant has not been reported in the literature in individuals affected with SMAD3-related conditions. ClinVar contains an entry for this variant (Variation ID: 213775). Invitae Evidence Modeling of protein sequence and biophysical properties (such as structural, functional, and spatial information, amino acid conservation, physicochemical variation, residue mobility, and thermodynamic stability) indicates that this missense variant is expected to disrupt SMAD3 protein function with a positive predictive value of 80%. In summary, the available evidence is currently insufficient to determine the role of this variant in disease. Therefore, it has been classified as a Variant of Uncertain Significance.

GeneDx
Classification: Uncertain significance. Last evaluated: 2018-03-27. Review status: criteria provided, single submitter. Criteria: GeneDx Variant Classification (06012015). Collection method: clinical testing. Allele origin: germline. Affected: yes.
Comment: The V389M variant has not been published as a pathogenic variant or been reported as a benign variant to our knowledge. The V389M variant was not observed in approximately 6,500 individuals of European and African American ancestry in the NHLBI Exome Sequencing Project, indicating it is not a common benign variant in these populations. This substitution occurs at a position that is conserved across species. Additionally, in silico analysis predicts this variant is probably damaging to the protein structure/function. Nevertheless, the V389M variant is a conservative amino acid substitution, which is not likely to impact secondary protein structure as these residues share similar properties. Therefore, based on the currently available information, it is unclear whether this variant is pathogenic or benign.

NM_005902.4(SMAD3):c.1165G>A (p.Val389Met)

Gene: SMAD3 (SMAD family member 3; plus strand). Cytogenetic location: 15q22.33.
Variant type: single nucleotide variant.
Coding change: c.1165G>A on transcript NM_005902.4 (MANE Select); coding-DNA position 1165, G replaced by A.
Protein change: p.Val389Met; replaces valine 389 with methionine.
Molecular consequence: missense variant.
Genome position (GRCh38, 1-based): chr15:67,190,423, G>A. VCF-style: chr15-67190423-G-A. GRCh37 (hg19) VCF-style: chr15-67482761-G-A.
Other names: p.V389M:GTG>ATG; c.850G>A, p.Val284Met (NM_001145102.2); c.1033G>A, p.Val345Met (NM_001145103.2); c.580G>A, p.Val194Met (NM_001145104.2); short protein forms V389M, V194M, V345M, V284M.
Identifiers: ClinVar variation 213775 (VCV000213775.3), dbSNP rs863223747, ClinGen allele CA321051.